The following is an entry in ClinVar:

ClinVar aggregate classification (germline): Benign/Likely benign. Review status: criteria provided, multiple submitters, no conflicts (2 of 4 stars). 10 submissions from 10 submitters: Benign (7); Likely benign (1). 2 of the submissions do not count toward it. Last evaluated 2026-07-02.

Conditions:
Hereditary cancer-predisposing syndrome. Also called: Hereditary Cancer Syndrome; Hereditary neoplastic syndrome; Neoplastic Syndromes, Hereditary; Tumor predisposition. Identifiers: Orphanet 140162, MedGen C0027672, MeSH D009386, MONDO:0015356.
Sessile serrated polyposis cancer syndrome (SSPCS). Identifiers: Orphanet 157798, MedGen C4310714, MONDO:0014919, OMIM 617108.

Allele frequency attached by ClinVar (database versions not stated): ESP Exome Variant Server 0.15770; 1000 Genomes Project 0.16414; TOPMed 0.16422; gnomAD 0.17956; 1000 Genomes Project 30x 0.16537.
gnomAD v4.1: 269,923 of 1,609,502 alleles (17%); highest among the groups gnomAD compares: East Asian, 21%; 23,599 homozygotes.

Submissions (10):

Myriad Genetics, Inc.
Classification: Benign for Sessile serrated polyposis cancer syndrome. Last evaluated: 2026-07-02. Review status: criteria provided, single submitter. Criteria: Myriad Autosomal Dominant, Autosomal Recessive and X-Linked Classification Criteria (2023). Collection method: clinical testing. Allele origin: unknown.
Comment: This variant is considered benign. This variant is intronic and is not expected to impact mRNA splicing. This variant has been observed at a population frequency that is significantly greater than expected given the associated disease prevalence and penetrance.

Labcorp Genetics (formerly Invitae), Labcorp
Classification: Benign. Last evaluated: 2026-02-04. Review status: criteria provided, single submitter. Criteria: Invitae Variant Classification Sherloc (09022015). Collection method: clinical testing. Allele origin: germline.

GeneKor MSA
Classification: Benign for Hereditary cancer-predisposing syndrome. Last evaluated: 2025-07-10. Review status: criteria provided, single submitter. Criteria: ACMG Guidelines, 2015. Collection method: clinical testing. Allele origin: germline.

Center for Genomic Medicine, Rigshospitalet, Copenhagen University Hospital
Classification: Benign. Last evaluated: 2025-03-04. Review status: criteria provided, single submitter. Criteria: ACMG Guidelines, 2015. Collection method: clinical testing. Allele origin: germline.

Blueprint Genetics
Classification: Likely benign. Last evaluated: 2024-11-28. Review status: criteria provided, single submitter. Criteria: ACMG Guidelines, 2015. Collection method: clinical testing. Allele origin: germline.

GeneDx
Classification: Benign. Last evaluated: 2019-06-14. Review status: criteria provided, single submitter. Criteria: GeneDx Variant Classification Process June 2021. Collection method: clinical testing. Allele origin: germline. Affected: yes.

Laboratory for Molecular Medicine, Mass General Brigham Personalized Medicine
Classification: Benign. Last evaluated: 2016-03-29. Review status: criteria provided, single submitter. Criteria: LMM Criteria. Collection method: clinical testing. Allele origin: germline.
Comment: Variant identified in a genome or exome case(s) and assessed due to predicted null impact of the variant or pathogenic assertions in the literature or databases. Disclaimer: This variant has not undergone full assessment. The following are preliminary notes: Frequency

Breakthrough Genomics
Classification: Benign. Review status: criteria provided, single submitter. Criteria: ACMG Guidelines, 2015. Collection method: not provided. Allele origin: germline. Inheritance: Autosomal dominant inheritance. Affected: yes.

Clinical Genetics DNA and cytogenetics Diagnostics Lab, Erasmus MC, Erasmus Medical Center
Classification: Benign. Review status: no assertion criteria provided. Collection method: clinical testing. Allele origin: germline. Affected: yes. Study: VKGL Data-share Consensus. Not counted in ClinVar's aggregate classification.

Clinical Genetics, Academic Medical Center
Classification: Benign. Review status: no assertion criteria provided. Collection method: clinical testing. Allele origin: germline. Affected: yes. Study: VKGL Data-share Consensus. Not counted in ClinVar's aggregate classification.

NM_017763.6(RNF43):c.2309-15G>C

Gene: RNF43 (ring finger protein 43; minus strand). Cytogenetic location: 17q22.
Variant type: single nucleotide variant.
Coding change: c.2309-15G>C on transcript NM_017763.6 (MANE Select); 15 bases into the intron before coding-DNA position 2309, G replaced by C.
Molecular consequence: intron variant.
Genome position (GRCh38, 1-based): chr17:58,355,001, C>G on the plus strand (G>C on the coding strand, the complement: RNF43 is on the minus strand). VCF-style: chr17-58355001-C-G. GRCh37 (hg19) VCF-style: chr17-56432362-C-G.
Other names: c.2309-15G>C (NM_001438822.1, NM_001305544.3); c.1928-15G>C (NM_001305545.2).
Identifiers: ClinVar variation 403383 (VCV000403383.23), dbSNP rs2158460, ClinGen allele CA8672993.